The following is an entry in ClinVar:

ClinVar aggregate classification (germline): Uncertain significance (1 of 4 stars; one submission).

Allele frequency attached by ClinVar (database versions not stated): ExAC 0.00001; gnomAD exomes 0.00001.
gnomAD v4.1: 3 of 1,614,134 alleles (0.00019%); highest among the groups gnomAD compares: South Asian, 0.0033%; no homozygotes.

Submission:

Ambry Genetics
Classification: Uncertain significance. Last evaluated: 2023-11-24. Review status: criteria provided, single submitter. Criteria: Ambry Variant Classification Scheme 2023. Collection method: clinical testing. Allele origin: germline.
Comment: The p.N1608D variant (also known as c.4822A>G), located in coding exon 43 of the KIF1B gene, results from an A to G substitution at nucleotide position 4822. The asparagine at codon 1608 is replaced by aspartic acid, an amino acid with highly similar properties. This amino acid position is conserved. In addition, this alteration is predicted to be tolerated by in silico analysis. Since supporting evidence is limited at this time, the clinical significance of this alteration remains unclear.

NM_001365951.3(KIF1B):c.4960A>G (p.Asn1654Asp)

Gene: KIF1B (kinesin family member 1B; plus strand). Cytogenetic location: 1p36.22.
Variant type: single nucleotide variant.
Coding change: c.4960A>G on transcript NM_001365951.3 (MANE Select); coding-DNA position 4960, A replaced by G.
Protein change: p.Asn1654Asp; replaces asparagine 1654 with aspartic acid.
Molecular consequence: missense variant.
Genome position (GRCh38, 1-based): chr1:10,374,329, A>G. VCF-style: chr1-10374329-A-G. GRCh37 (hg19) VCF-style: chr1-10434387-A-G.
Other names: c.4960A>G, p.Asn1654Asp (NM_001365952.1); c.4822A>G, p.Asn1608Asp (NM_015074.3); short protein forms N1608D, N1654D.
Identifiers: ClinVar variation 3226519 (VCV003226519.1), dbSNP rs759619311, ClinGen allele CA582236.
Genomic context (GRCh38, chr1:10,374,329, plus strand): 5'-ACTGATTCTCTTGTTACCCTTTTCTTTCTAATCTCTCTATTTTAAAGGACCCCAGAAGCC[A>G]ATTCCCGGGCCTCTAGTCCCTGCCCAGAATTTGAACAGTTTCAGATTGTCCCAGCTGTGG-3'
Protein context (NP_001352880.1, residues 1644-1664): NSLDQKTPEA[Asn1654Asp]SRASSPCPEF